The following is an entry in ClinVar:

ClinVar aggregate classification (germline): Uncertain significance. Review status: criteria provided, multiple submitters, no conflicts (2 of 4 stars). 2 submissions from 2 submitters: Uncertain significance (2). Last evaluated 2025-08-27.

Conditions:
Hereditary cancer-predisposing syndrome. Also called: Neoplastic Syndromes, Hereditary; Hereditary Cancer Syndrome; Hereditary neoplastic syndrome; Tumor predisposition. Identifiers: Orphanet 140162, MedGen C0027672, MeSH D009386, MONDO:0015356.
Familial adenomatous polyposis 2. Also called: COLORECTAL ADENOMATOUS POLYPOSIS, AUTOSOMAL RECESSIVE; ADENOMAS, MULTIPLE COLORECTAL, AUTOSOMAL RECESSIVE; Adenomas, multiple colorectal; FAP type 2; MUTYH Polyposis; MUTYH-associated polyposis. Identifiers: Orphanet 220460, Orphanet 247798, MedGen C3272841, MONDO:0012041, OMIM 608456.

Submissions (2):

Ambry Genetics
Classification: Uncertain significance for Hereditary cancer-predisposing syndrome. Last evaluated: 2025-08-27. Review status: criteria provided, single submitter. Criteria: Ambry Variant Classification Scheme 2023. Collection method: clinical testing. Allele origin: germline.
Comment: The p.R19L variant (also known as c.56G>T), located in coding exon 2 of the MUTYH gene, results from a G to T substitution at nucleotide position 56. The arginine at codon 19 is replaced by leucine, an amino acid with dissimilar properties. This amino acid position is conserved. In addition, this alteration is predicted to be tolerated by in silico analysis. Based on the available evidence, the clinical significance of this variant remains unclear.

Labcorp Genetics (formerly Invitae), Labcorp
Classification: Uncertain significance for Familial adenomatous polyposis 2. Last evaluated: 2020-03-04. Review status: criteria provided, single submitter. Criteria: Invitae Variant Classification Sherloc (09022015). Collection method: clinical testing. Allele origin: germline.
Comment: In summary, the available evidence is currently insufficient to determine the role of this variant in disease. Therefore, it has been classified as a Variant of Uncertain Significance. Algorithms developed to predict the effect of missense changes on protein structure and function are either unavailable or do not agree on the potential impact of this missense change (SIFT: "Deleterious"; PolyPhen-2: "Possibly Damaging"; Align-GVGD: "Class C15"). This variant has not been reported in the literature in individuals with MUTYH-related conditions. This variant is not present in population databases (ExAC no frequency). This sequence change replaces arginine with leucine at codon 19 of the MUTYH protein (p.Arg19Leu). The arginine residue is moderately conserved and there is a moderate physicochemical difference between arginine and leucine.

NM_001048174.2(MUTYH):c.14G>T (p.Arg5Leu)

Gene: MUTYH (mutY DNA glycosylase; minus strand). Cytogenetic location: 1p34.1.
Variant type: single nucleotide variant.
Coding change: c.14G>T on transcript NM_001048174.2 (MANE Select); coding-DNA position 14, G replaced by T.
Protein change: p.Arg5Leu; replaces arginine 5 with leucine.
Molecular consequence: missense variant. On other transcripts: 5 prime UTR variant (4), non-coding transcript variant (2).
Genome position (GRCh38, 1-based): chr1:45,334,492, C>A on the plus strand (G>T on the coding strand, the complement: MUTYH is on the minus strand). VCF-style: chr1-45334492-C-A. GRCh37 (hg19) VCF-style: chr1-45800164-C-A.
Other names: c.14G>T, p.Arg5Leu (NM_001048171.2, NM_001048172.2, NM_001048173.2 and 2 more transcripts); c.56G>T, p.Arg19Leu (NM_001128425.2, NM_001293190.2, NM_012222.3); c.-199G>T (NM_001293192.2, NM_001293196.2); c.-258G>T (NM_001350650.2); c.-194G>T (NM_001350651.2); c.56G>T (NM_001128425.1); short protein forms R19L, R5L.
Identifiers: ClinVar variation 1005080 (VCV001005080.9), dbSNP rs587780081, ClinGen allele CA340137249.